The following is an entry in ClinVar:

NM_014244.5(ADAMTS2):c.3052del (p.Glu1018fs)

Gene: ADAMTS2 (ADAM metallopeptidase with thrombospondin type 1 motif 2; minus strand). Cytogenetic location: 5q35.3.
Variant type: Deletion.
Coding change: c.3052del on transcript NM_014244.5 (MANE Select); coding-DNA position 3052, one base deleted (G; older notation c.3052delG).
Protein change: p.Glu1018fs; shifts the reading frame from glutamic acid 1018.
Molecular consequence: frameshift variant.
Genome position (GRCh38, 1-based): chr5:179,122,680, C deleted on the plus strand (G on the coding strand, the reverse complement: ADAMTS2 is on the minus strand). VCF-style (leftmost placement, unchanged base first): chr5-179122679-TC-T. GRCh37 (hg19) VCF-style: chr5-178549680-TC-T.
Other names: short protein forms E1018fs.
Identifiers: ClinVar variation 4795158 (VCV004795158.1).

ClinVar aggregate classification (germline): Likely pathogenic (1 of 4 stars; one submission).

Conditions:
Ehlers-Danlos syndrome, dermatosparaxis type. Also called: Ehlers-Danlos syndrome, type VII, autosomal recessive; Dermatosparaxis; EDS VIIC. Identifiers: Orphanet 1901, MedGen C2700425, MONDO:0009161, OMIM 225410.

Submission:

MVZ Martinsried, Medicover Genetics
Classification: Likely pathogenic for Ehlers-Danlos syndrome, dermatosparaxis type. Last evaluated: 2025-11-19. Review status: criteria provided, single submitter. Criteria: ClinGen Variant Curation SOP V3.2 + Classification Guidance July2025. Collection method: clinical testing. Allele origin: unknown. Affected: yes. Observed: 1 compound heterozygote.
Comment: PVS1, PM2_Supporting. Detected in compound heterozygous state with NM_014244.5(ADAMTS2):c.673C>T p.(Gln225*).